The following is an entry in ClinVar:

ClinVar aggregate classification (germline): Uncertain significance (1 of 4 stars; one submission).

Conditions:
Epidermolysis bullosa simplex with nail dystrophy (EBS5D). Identifiers: MedGen C4225309, MONDO:0014661, OMIM 616487.
Epidermolysis bullosa simplex 5C, with pyloric atresia (EBS5C). Also called: PLEC-Related Epidermolysis Bullosa with Pyloric Atresia; Epidermolysis bullosa simplex with pyloric atresia; PLEC1-Related Epidermolysis Bullosa with Pyloric Atresia. Identifiers: Orphanet 158684, MedGen C2677349, MONDO:0012807, OMIM 612138.
Autosomal recessive limb-girdle muscular dystrophy type 2Q (LGMDR17). Also called: MUSCULAR DYSTROPHY, LIMB-GIRDLE, AUTOSOMAL RECESSIVE 17. Identifiers: Orphanet 254361, MedGen C3150989, MONDO:0013390, OMIM 613723.
Epidermolysis bullosa simplex, Ogna type (EBS5A). Also called: Pidermolysis bullosa simplex 5A, Ogna type; EPIDERMOLYSIS BULLOSA SIMPLEX 5A, OGNA TYPE. Identifiers: Orphanet 79401, MedGen C0432317, MONDO:0007555, OMIM 131950.
Epidermolysis bullosa simplex 5B, with muscular dystrophy (EBS5B). Also called: EPIDERMOLYSIS BULLOSA SIMPLEX AND LIMB-GIRDLE MUSCULAR DYSTROPHY; Epidermolysis bullosa simplex with muscular dystrophy. Identifiers: Orphanet 257, MedGen C2931072, MONDO:0009181, OMIM 226670.

Submission:

Labcorp Genetics (formerly Invitae), Labcorp
Classification: Uncertain significance for Autosomal recessive limb-girdle muscular dystrophy type 2Q; Epidermolysis bullosa simplex, Ogna type; Epidermolysis bullosa simplex with nail dystrophy; Epidermolysis bullosa simplex 5C, with pyloric atresia; Epidermolysis bullosa simplex 5B, with muscular dystrophy. Last evaluated: 2023-09-21. Review status: criteria provided, single submitter. Criteria: Invitae Variant Classification Sherloc (09022015). Collection method: clinical testing. Allele origin: germline.
Comment: This variant is not present in population databases (gnomAD no frequency). This sequence change replaces arginine, which is basic and polar, with serine, which is neutral and polar, at codon 4243 of the PLEC protein (p.Arg4243Ser). This variant has not been reported in the literature in individuals affected with PLEC-related conditions. Advanced modeling of protein sequence and biophysical properties (such as structural, functional, and spatial information, amino acid conservation, physicochemical variation, residue mobility, and thermodynamic stability) performed at Invitae indicates that this missense variant is not expected to disrupt PLEC protein function. In summary, the available evidence is currently insufficient to determine the role of this variant in disease. Therefore, it has been classified as a Variant of Uncertain Significance.

NM_201384.3(PLEC):c.12646C>A (p.Arg4216Ser)

Gene: PLEC (plectin; minus strand). Cytogenetic location: 8q24.3.
Variant type: single nucleotide variant.
Coding change: c.12646C>A on transcript NM_201384.3 (MANE Select); coding-DNA position 12646, C replaced by A.
Protein change: p.Arg4216Ser; replaces arginine 4216 with serine.
Molecular consequence: missense variant.
Genome position (GRCh38, 1-based): chr8:143,917,175, G>T on the plus strand (C>A on the coding strand, the complement: PLEC is on the minus strand). VCF-style: chr8-143917175-G-T. GRCh37 (hg19) VCF-style: chr8-144991343-G-T.
Other names: c.12727C>A, p.Arg4243Ser (NM_000445.5); c.9346C>A, p.Arg3116Ser (NM_001410941.1); c.12604C>A, p.Arg4202Ser (NM_201378.4); c.12580C>A, p.Arg4194Ser (NM_201379.3); c.13057C>A, p.Arg4353Ser (NM_201380.4); c.12550C>A, p.Arg4184Ser (NM_201381.3); c.12646C>A, p.Arg4216Ser (NM_201382.4); c.12658C>A, p.Arg4220Ser (NM_201383.3); short protein forms R3116S, R4194S, R4216S, R4353S, R4202S, R4184S, R4220S, R4243S.
Identifiers: ClinVar variation 2935550 (VCV002935550.3), dbSNP rs782235680, ClinGen allele CA372479990.